The following is an entry in ClinVar:

ClinVar aggregate classification (germline): Likely benign. Review status: criteria provided, multiple submitters, no conflicts (2 of 4 stars). 4 submissions from 4 submitters: Likely benign (3). 1 of the submissions does not count toward it. Last evaluated 2026-01-19.

Conditions:
DEAF1-related disorder.

Allele frequency attached by ClinVar (database versions not stated): ExAC 0.00004; gnomAD 0.00004; gnomAD exomes 0.00005; ESP Exome Variant Server 0.00015.
gnomAD v4.1: 157 of 1,613,090 alleles (0.0097%); highest among the groups gnomAD compares: Non-Finnish European, 0.013%; no homozygotes.

Submissions (4):

Labcorp Genetics (formerly Invitae), Labcorp
Classification: Likely benign. Last evaluated: 2026-01-19. Review status: criteria provided, single submitter. Criteria: Invitae Variant Classification Sherloc (09022015). Collection method: clinical testing. Allele origin: germline.

CeGaT Center for Human Genetics Tuebingen
Classification: Likely benign. Last evaluated: 2025-02-01. Review status: criteria provided, single submitter. Criteria: CeGaT Center For Human Genetics Tuebingen Variant Classification Criteria Version 2. Collection method: clinical testing. Allele origin: germline. Affected: yes. Observed: 1 variant allele.
Comment: DEAF1: BP4

Blueprint Genetics
Classification: Likely benign. Last evaluated: 2023-07-26. Review status: criteria provided, single submitter. Criteria: ACMG Guidelines, 2015. Collection method: clinical testing. Allele origin: germline.

PreventionGenetics, part of Exact Sciences
Classification: Likely benign for DEAF1-related condition. Last evaluated: 2019-06-13. Review status: no assertion criteria provided. Collection method: clinical testing. Allele origin: germline. Not counted in ClinVar's aggregate classification.
Comment: This variant is classified as likely benign based on ACMG/AMP sequence variant interpretation guidelines (Richards et al. 2015 PMID: 25741868, with internal and published modifications).

NM_021008.4(DEAF1):c.517+7C>T

Gene: DEAF1 (DEAF1 transcription factor; minus strand). Cytogenetic location: 11p15.5.
Variant type: single nucleotide variant.
Coding change: c.517+7C>T on transcript NM_021008.4 (MANE Select); 7 bases into the intron after coding-DNA position 517, C replaced by T.
Molecular consequence: intron variant.
Genome position (GRCh38, 1-based): chr11:688,324, G>A on the plus strand (C>T on the coding strand, the complement: DEAF1 is on the minus strand). VCF-style: chr11-688324-G-A. GRCh37 (hg19) VCF-style: chr11-688324-G-A.
Other names: c.-210+7C>T (NM_001367390.1, NM_001440887.1, NM_001440886.1); c.-209-267C>T (NM_001440885.1); c.517+7C>T (NM_001293634.2, NM_001440884.1, NM_001440883.1).
Identifiers: ClinVar variation 1563728 (VCV001563728.18), dbSNP rs373778878, ClinGen allele CA5786528.
Genomic context (GRCh38, chr11:688,324, plus strand): 5'-CTGAAATAAATTCTAGCTATTCTGAAACGTGTTTTGCCCGAGGCCTGGGGTGCAGGCACC[G>A]CTGTACCTGGGGTGAGGGGAGCTGCCGGGCCTTTCAGCCCGGTGGTCTCCACGATGCTCC-3'